The following is an entry in ClinVar:

ClinVar aggregate classification (germline): Conflicting classifications of pathogenicity. Review status: criteria provided, conflicting classifications (1 of 4 stars). 5 submissions from 5 submitters: Uncertain significance (1); Likely benign (4). Last evaluated 2026-01-28.

Conditions:
Arrhythmogenic right ventricular cardiomyopathy (ARVD). Also called: Arrhythmogenic cardiomyopathy; Arrhythmogenic Right Ventricular Cardiomyopathy (ARVC); Cardiomyopathy, ARVC; Arrhythmogenic right ventricular dysplasia. Identifiers: Orphanet 247, MedGen C0349788, MeSH D019571, MONDO:0016587. Disease mechanism: loss of function. Inheritance: Various modes of inheritance.
Cardiomyopathy (CMYO). Also called: Cardiomyopathies. Identifiers: Orphanet 167848, MedGen C0878544, MONDO:0004994, HP:0001638. Inheritance: Various modes of inheritance.
Arrhythmogenic right ventricular dysplasia 10. Also called: ARRHYTHMOGENIC RIGHT VENTRICULAR DYSPLASIA, FAMILIAL, 10; Arrhythmogenic Right Ventricular Dysplasia/Cardiomyopathy10; Arrhythmogenic right ventricular dysplasia/cardiomyopathy, type 10. Identifiers: MedGen C1857777, MONDO:0012434, OMIM 610193.

Allele frequency attached by ClinVar (database versions not stated): ExAC 0.00001; gnomAD 0.00001; gnomAD exomes 0.00001 and 0.00002; TOPMed 0.00001.
gnomAD v4.1: 34 of 1,612,762 alleles (0.0021%); highest among the groups gnomAD compares: Non-Finnish European, 0.0028%; no homozygotes.

Submissions (5):

Labcorp Genetics (formerly Invitae), Labcorp
Classification: Likely benign for Arrhythmogenic right ventricular dysplasia 10. Last evaluated: 2026-01-28. Review status: criteria provided, single submitter. Criteria: Invitae Variant Classification Sherloc (09022015). Collection method: clinical testing. Allele origin: germline.

All of Us Research Program, National Institutes of Health
Classification: Likely benign for Arrhythmogenic right ventricular cardiomyopathy. Last evaluated: 2023-05-30. Review status: criteria provided, single submitter. Criteria: ACMG Guidelines, 2015. Collection method: clinical testing. Allele origin: germline. Inheritance: Autosomal dominant inheritance. Observed: 3 variant alleles, 3 heterozygotes.
Comment: This study involves interpretation of variants in research participants for the purpose of population health screening. Participant phenotype was not available at the time of variant classification. Additional details can be found in publication PMID: 35346344, PMCID: PMC8962531

CHEO Genetics Diagnostic Laboratory, Children's Hospital of Eastern Ontario
Classification: Uncertain significance for Cardiomyopathy. Last evaluated: 2023-03-15. Review status: criteria provided, single submitter. Criteria: ACMG Guidelines, 2015. Collection method: clinical testing. Allele origin: germline. Study: Canadian Open Genetics Repository.

Color Diagnostics, LLC DBA Color Health
Classification: Likely benign for Cardiomyopathy. Last evaluated: 2022-11-14. Review status: criteria provided, single submitter. Criteria: ACMG Guidelines, 2015. Collection method: clinical testing. Allele origin: germline.

GeneDx
Classification: Likely benign. Last evaluated: 2019-12-02. Review status: criteria provided, single submitter. Criteria: GeneDx Variant Classification Process June 2021. Collection method: clinical testing. Allele origin: germline. Affected: yes.

NM_001943.5(DSG2):c.2335-9T>C

Genes: DSG2 (desmoglein 2; plus strand), DSG2-AS1 (DSG2 antisense RNA 1; minus strand). Cytogenetic location: 18q12.1.
Variant type: single nucleotide variant.
Coding change: c.2335-9T>C on transcript NM_001943.5 (MANE Select); 9 bases into the intron before coding-DNA position 2335, T replaced by C.
Molecular consequence: intron variant.
Genome position (GRCh38, 1-based): chr18:31,545,712, T>C. VCF-style: chr18-31545712-T-C. GRCh37 (hg19) VCF-style: chr18-29125675-T-C.
Other names: c.2335-9T>C (LRG_397t1).
Identifiers: ClinVar variation 326484 (VCV000326484.19), dbSNP rs757355636, ClinGen allele CA045805.